The following is an entry in ClinVar:

ClinVar aggregate classification (germline): Uncertain significance. Review status: criteria provided, multiple submitters, no conflicts (2 of 4 stars). 2 submissions from 2 submitters: Uncertain significance (2). Last evaluated 2024-02-27.

Conditions:
Hereditary nonpolyposis colorectal neoplasms. Identifiers: MedGen C0009405, MeSH D003123.
Hereditary cancer-predisposing syndrome. Also called: Hereditary Cancer Syndrome; Tumor predisposition; Hereditary neoplastic syndrome; Neoplastic Syndromes, Hereditary. Identifiers: Orphanet 140162, MedGen C0027672, MeSH D009386, MONDO:0015356.

Submissions (2):

Ambry Genetics
Classification: Uncertain significance for Hereditary cancer-predisposing syndrome. Last evaluated: 2024-02-27. Review status: criteria provided, single submitter. Criteria: Ambry Variant Classification Scheme 2023. Collection method: clinical testing. Allele origin: germline.
Comment: The p.I416M variant (also known as c.1248T>G), located in coding exon 4 of the MSH6 gene, results from a T to G substitution at nucleotide position 1248. The isoleucine at codon 416 is replaced by methionine, an amino acid with highly similar properties. This amino acid position is not well conserved in available vertebrate species. In addition, the in silico prediction for this alteration is inconclusive. Since supporting evidence is limited at this time, the clinical significance of this alteration remains unclear.

Labcorp Genetics (formerly Invitae), Labcorp
Classification: Uncertain significance for Hereditary nonpolyposis colorectal neoplasms. Last evaluated: 2022-08-04. Review status: criteria provided, single submitter. Criteria: Invitae Variant Classification Sherloc (09022015). Collection method: clinical testing. Allele origin: germline.
Comment: This sequence change replaces isoleucine, which is neutral and non-polar, with methionine, which is neutral and non-polar, at codon 416 of the MSH6 protein (p.Ile416Met). This variant is not present in population databases (gnomAD no frequency). This variant has not been reported in the literature in individuals affected with MSH6-related conditions. ClinVar contains an entry for this variant (Variation ID: 645416). Advanced modeling of protein sequence and biophysical properties (such as structural, functional, and spatial information, amino acid conservation, physicochemical variation, residue mobility, and thermodynamic stability) performed at Invitae indicates that this missense variant is not expected to disrupt MSH6 protein function. In summary, the available evidence is currently insufficient to determine the role of this variant in disease. Therefore, it has been classified as a Variant of Uncertain Significance.

NM_000179.3(MSH6):c.1248T>G (p.Ile416Met)

Gene: MSH6 (mutS homolog 6; plus strand). Cytogenetic location: 2p16.3.
Variant type: single nucleotide variant.
Coding change: c.1248T>G on transcript NM_000179.3 (MANE Select); coding-DNA position 1248, T replaced by G.
Protein change: p.Ile416Met; replaces isoleucine 416 with methionine.
Molecular consequence: missense variant.
Genome position (GRCh38, 1-based): chr2:47,799,231, T>G. VCF-style: chr2-47799231-T-G. GRCh37 (hg19) VCF-style: chr2-48026370-T-G.
Other names: c.858T>G, p.Ile286Met (NM_001281492.2); c.342T>G, p.Ile114Met (NM_001281493.2, NM_001281494.2); short protein forms I416M, I114M, I286M.
Identifiers: ClinVar variation 645416 (VCV000645416.11), dbSNP rs1572722305, ClinGen allele CA346743816.